The following is an entry in ClinVar:

NM_006231.4(POLE):c.3275+14_3275+21delinsTCATCACT

Gene: POLE (DNA polymerase epsilon, catalytic subunit; minus strand). Cytogenetic location: 12q24.33.
Variant type: Indel.
Coding change: c.3275+14_3275+21delinsTCATCACT on transcript NM_006231.4 (MANE Select); bases 14 to 21 of the intron after coding-DNA position 3275, CCATCACG replaced by TCATCACT.
Molecular consequence: intron variant.
Genome position (GRCh38, 1-based): chr12:132,659,274-132,659,281, CGTGATGG replaced by AGTGATGA on the plus strand (CCATCACG replaced by TCATCACT on the coding strand, the reverse complement: POLE is on the minus strand). VCF-style: chr12-132659274-CGTGATGG-AGTGATGA. GRCh37 (hg19) VCF-style: chr12-133235860-CGTGATGG-AGTGATGA.
Identifiers: ClinVar variation 421416 (VCV000421416.1), dbSNP rs1064795121, ClinGen allele CA16619467.

ClinVar aggregate classification (germline): Likely benign (1 of 4 stars; one submission).

Submission:

GeneDx
Classification: Likely benign. Last evaluated: 2016-06-08. Review status: criteria provided, single submitter. Criteria: GeneDx Variant Classification (06012015). Collection method: clinical testing. Allele origin: germline. Affected: yes.
Comment: This variant is considered likely benign or benign based on one or more of the following criteria: it is a conservative change, it occurs at a poorly conserved position in the protein, it is predicted to be benign by multiple in silico algorithms, and/or has population frequency not consistent with disease.